The following is an entry in ClinVar:

NM_001323289.2(CDKL5):c.1547_1554del (p.Tyr516fs)

Gene: CDKL5 (cyclin dependent kinase like 5; plus strand). Cytogenetic location: Xp22.13.
Variant type: Deletion.
Coding change: c.1547_1554del on transcript NM_001323289.2 (MANE Select); coding-DNA positions 1547 to 1554, 8 bases deleted (ACTTCCCA; older notation c.1547_1554delACTTCCCA).
Protein change: p.Tyr516fs; shifts the reading frame from tyrosine 516.
Molecular consequence: frameshift variant.
Genome position (GRCh38, 1-based): chrX:18,604,471-18,604,478, ACTTCCCA deleted. VCF-style (leftmost placement, unchanged base first): chrX-18604470-TACTTCCCA-T. GRCh37 (hg19) VCF-style: chrX-18622590-TACTTCCCA-T.
Other names: NM_003159.3:c.1547_1554del; c.1547_1554del, p.Tyr516fs (NM_001037343.2, NM_003159.3); short protein forms Y516fs.
Identifiers: ClinVar variation 3343993 (VCV003343993.1).

ClinVar aggregate classification (germline): Likely pathogenic (1 of 4 stars; one submission).

Conditions:
CDKL5 disorder. Identifiers: MedGen CN296942, MONDO:0100039.

Submission:

Centre for Population Genomics, CPG
Classification: Likely pathogenic for CDKL5 disorder. Last evaluated: 2024-09-13. Review status: criteria provided, single submitter. Criteria: McKnight et al. (Hum Mutat. 2022). Collection method: curation. Allele origin: germline. Inheritance: X-linked inheritance.
Comment: This variant has been collected from RettBASE and curated to current modified ACMG/AMP criteria. Based on the classification scheme defined by the ClinGen Rett/Angelman-like Expert Panel for Rett/AS-like Disorders Specifications to the ACMG/AMP Variant Interpretation Guidelines VCEP 3.0, this variant is classified as likely pathogenic. At least the following criteria are met: Predicted to result in loss of function, and LOF is a known mechanism of disease (PVS1). This variant is absent from gnomAD (PM2_Supporting). Has been observed in at least 1 individual with phenotypes consistent with CDKL5 disorder (PMID: 25657822).